The following is an entry in ClinVar:

ClinVar aggregate classification (germline): Likely benign. Review status: criteria provided, multiple submitters, no conflicts (2 of 4 stars). 3 submissions from 3 submitters: Likely benign (3). Last evaluated 2025-04-08.

Conditions:
Familial sleep-related hypermotor epilepsy. Also called: Autosomal Dominant Sleep-Related Hypermotor (Hyperkinetic) Epilepsy. Identifiers: Orphanet 98784, MedGen C3696898, MONDO:0000030.
Inborn genetic diseases. Identifiers: MedGen C0950123, MeSH D030342.

Allele frequency attached by ClinVar (database versions not stated): gnomAD exomes 0.00006; ExAC 0.00026; gnomAD 0.00006; TOPMed 0.00008.
gnomAD v4.1: 63 of 1,520,974 alleles (0.0041%); highest among the groups gnomAD compares: East Asian, 0.031%; no homozygotes.

Submissions (3):

Ambry Genetics
Classification: Likely benign for Inborn genetic diseases. Last evaluated: 2025-04-08. Review status: criteria provided, single submitter. Criteria: Ambry Variant Classification Scheme 2023. Collection method: clinical testing. Allele origin: germline.

Labcorp Genetics (formerly Invitae), Labcorp
Classification: Likely benign. Last evaluated: 2025-02-02. Review status: criteria provided, single submitter. Criteria: Invitae Variant Classification Sherloc (09022015). Collection method: clinical testing. Allele origin: germline.

GeneDx
Classification: Likely benign. Last evaluated: 2012-12-31. Review status: criteria provided, single submitter. Criteria: GeneDx Variant Classification (06012015). Collection method: clinical testing. Allele origin: germline. Affected: yes.
Comment: This variant is considered likely benign or benign based on one or more of the following criteria: it is a conservative change, it occurs at a poorly conserved position in the protein, it is predicted to be benign by multiple in silico algorithms, and/or has population frequency not consistent with disease.

NM_000744.7(CHRNA4):c.1334C>T (p.Ser445Leu)

Gene: CHRNA4 (cholinergic receptor nicotinic alpha 4 subunit; minus strand). Cytogenetic location: 20q13.33.
Variant type: single nucleotide variant.
Coding change: c.1334C>T on transcript NM_000744.7 (MANE Select); coding-DNA position 1334, C replaced by T.
Protein change: p.Ser445Leu; replaces serine 445 with leucine.
Molecular consequence: missense variant. On other transcripts: non-coding transcript variant (1).
Genome position (GRCh38, 1-based): chr20:63,350,077, G>A on the plus strand (C>T on the coding strand, the complement: CHRNA4 is on the minus strand). VCF-style: chr20-63350077-G-A. GRCh37 (hg19) VCF-style: chr20-61981429-G-A.
Other names: p.S445L:TCG>TTG; c.806C>T, p.Ser269Leu (NM_001256573.2); short protein forms S445L, S269L.
Identifiers: ClinVar variation 204997 (VCV000204997.11), dbSNP rs773253903, ClinGen allele CA313514.